The following is an entry in ClinVar:

NM_004415.4(DSP):c.1444T>G (p.Cys482Gly)

Gene: DSP (desmoplakin; plus strand). Cytogenetic location: 6p24.3.
Variant type: single nucleotide variant.
Coding change: c.1444T>G on transcript NM_004415.4 (MANE Select); coding-DNA position 1444, T replaced by G.
Protein change: p.Cys482Gly; replaces cysteine 482 with glycine.
Molecular consequence: missense variant.
Genome position (GRCh38, 1-based): chr6:7,569,210, T>G. VCF-style: chr6-7569210-T-G. GRCh37 (hg19) VCF-style: chr6-7569443-T-G.
Other names: p.Cys482Gly; c.1444T>G, p.Cys482Gly (NM_001008844.3, NM_001319034.2); short protein forms C482G.
Identifiers: ClinVar variation 3073128 (VCV003073128.3), dbSNP rs746816016, ClinGen allele CA028240.

ClinVar aggregate classification (germline): Uncertain significance. Review status: criteria provided, multiple submitters, no conflicts (2 of 4 stars). 3 submissions from 3 submitters: Uncertain significance (3). Last evaluated 2025-07-17.

Conditions:
Cardiomyopathy (CMYO). Also called: Cardiomyopathies. Identifiers: Orphanet 167848, MedGen C0878544, MONDO:0004994, HP:0001638. Inheritance: Various modes of inheritance.
Arrhythmogenic cardiomyopathy with wooly hair and keratoderma. Also called: PALMOPLANTAR KERATODERMA WITH LEFT VENTRICULAR CARDIOMYOPATHY AND WOOLLY HAIR; Carvajal syndrome; Dilated cardiomyopathy with woolly hair and keratoderma; Arrhythmogenic cardiomyopathy with woolly hair and keratoderma. Identifiers: Orphanet 65282, MedGen C1854063, MONDO:0011581, OMIM 605676.

Allele frequency attached by ClinVar (database versions not stated): gnomAD exomes 0.00001; ExAC 0.00002; gnomAD 0.00003.
gnomAD v4.1: 8 of 1,613,890 alleles (0.0005%); no homozygotes.

Submissions (3):

Mayo Clinic Laboratories, Mayo Clinic
Classification: Uncertain significance. Last evaluated: 2025-07-17. Review status: criteria provided, single submitter. Criteria: ACMG Guidelines, 2015. Collection method: clinical testing. Allele origin: germline. Observed: 1 variant allele.

All of Us Research Program, National Institutes of Health
Classification: Uncertain significance for Arrhythmogenic cardiomyopathy with wooly hair and keratoderma. Last evaluated: 2023-08-23. Review status: criteria provided, single submitter. Criteria: ACMG Guidelines, 2015. Collection method: clinical testing. Allele origin: germline. Inheritance: Autosomal dominant inheritance. Observed: 1 variant allele, 1 heterozygote.
Comment: This missense variant replaces cysteine with glycine at codon 482 of the DSP protein. Computational prediction is inconclusive regarding the impact of this variant on protein structure and function (internally defined REVEL score threshold 0.5 < inconclusive < 0.7, PMID: 27666373). To our knowledge, functional studies have not been reported for this variant. This variant has not been reported in individuals affected with DSP-related disorders in the literature. This variant has been identified in 6/282812 chromosomes in the general population by the Genome Aggregation Database (gnomAD). The available evidence is insufficient to determine the role of this variant in disease conclusively. Therefore, this variant is classified as a Variant of Uncertain Significance.

This study involves interpretation of variants in research participants for the purpose of population health screening. Participant phenotype was not available at the time of variant classification. Additional details can be found in publication PMID: 35346344, PMCID: PMC8962531

Color Diagnostics, LLC DBA Color Health
Classification: Uncertain significance for Cardiomyopathy. Last evaluated: 2023-08-09. Review status: criteria provided, single submitter. Criteria: ACMG Guidelines, 2015. Collection method: clinical testing. Allele origin: germline.
Comment: This missense variant replaces cysteine with glycine at codon 482 of the DSP protein. Computational prediction is inconclusive regarding the impact of this variant on protein structure and function. To our knowledge, functional studies have not been reported for this variant. This variant has not been reported in individuals affected with DSP-related disorders in the literature. This variant has been identified in 6/282812 chromosomes in the general population by the Genome Aggregation Database (gnomAD). The available evidence is insufficient to determine the role of this variant in disease conclusively. Therefore, this variant is classified as a Variant of Uncertain Significance.